The following is an entry in ClinVar:

NM_015338.6(ASXL1):c.2164C>A (p.Pro722Thr)

Gene: ASXL1 (ASXL transcriptional regulator 1; plus strand). Cytogenetic location: 20q11.21.
Variant type: single nucleotide variant.
Coding change: c.2164C>A on transcript NM_015338.6 (MANE Select); coding-DNA position 2164, C replaced by A.
Protein change: p.Pro722Thr; replaces proline 722 with threonine.
Molecular consequence: missense variant.
Genome position (GRCh38, 1-based): chr20:32,434,876, C>A. VCF-style: chr20-32434876-C-A. GRCh37 (hg19) VCF-style: chr20-31022679-C-A.
Other names: c.1981C>A, p.Pro661Thr (NM_001363734.1); short protein forms P661T, P722T.
Identifiers: ClinVar variation 4843679 (VCV004843679.1).

ClinVar aggregate classification (germline): Uncertain significance (1 of 4 stars; one submission).

Conditions:
Inborn genetic diseases. Identifiers: MedGen C0950123, MeSH D030342.

Submission:

Ambry Genetics
Classification: Uncertain significance for Inborn genetic diseases. Last evaluated: 2026-01-14. Review status: criteria provided, single submitter. Criteria: Ambry Variant Classification Scheme 2023. Collection method: clinical testing. Allele origin: germline.
Comment: The p.P722T variant (also known as c.2164C>A), located in coding exon 13 of the ASXL1 gene, results from a C to A substitution at nucleotide position 2164. The proline at codon 722 is replaced by threonine, an amino acid with highly similar properties. This amino acid position is conserved. In addition, this alteration is predicted to be tolerated by in silico analysis. Based on the available evidence, the clinical significance of this variant remains unclear.